The following is an entry in ClinVar:

NM_000512.5(GALNS):c.347G>A (p.Gly116Asp)

Gene: GALNS (galactosamine (N-acetyl)-6-sulfatase; minus strand). Cytogenetic location: 16q24.3.
Variant type: single nucleotide variant.
Coding change: c.347G>A on transcript NM_000512.5 (MANE Select); coding-DNA position 347, G replaced by A.
Protein change: p.Gly116Asp; replaces glycine 116 with aspartic acid.
Molecular consequence: missense variant. On other transcripts: 5 prime UTR variant (1).
Genome position (GRCh38, 1-based): chr16:88,841,067, C>T on the plus strand (G>A on the coding strand, the complement: GALNS is on the minus strand). VCF-style: chr16-88841067-C-T. GRCh37 (hg19) VCF-style: chr16-88907475-C-T.
Other names: c.-209G>A (NM_001323543.2); c.365G>A, p.Gly122Asp (NM_001323544.2); short protein forms G116D, G122D.
Identifiers: ClinVar variation 3339735 (VCV003339735.1).

ClinVar aggregate classification (germline): Uncertain significance (1 of 4 stars; one submission).

Submission:

Women's Health and Genetics/Laboratory Corporation of America, LabCorp
Classification: Uncertain significance. Last evaluated: 2024-06-05. Review status: criteria provided, single submitter. Criteria: LabCorp Variant Classification Summary - May 2015. Collection method: clinical testing. Allele origin: germline.
Comment: Variant summary: GALNS c.347G>A (p.Gly116Asp) results in a non-conservative amino acid change located in the Sulfatase, N-terminal (IPR000917) of the encoded protein sequence. Five of five in-silico tools predict a damaging effect of the variant on protein function. The variant was absent in 250978 control chromosomes. The available data on variant occurrences in the general population are insufficient to allow any conclusion about variant significance. To our knowledge, no occurrence of c.347G>A in individuals affected with Mucopolysaccharidosis Type IVA (Morquio Syndrome A) and no experimental evidence demonstrating its impact on protein function have been reported. A different variant affecting the same codon has been classified as pathogenic by our lab (c.346G>A, p.Gly116Ser), supporting the critical relevance of codon 116 to GALNS protein function, however additional evidence is needed at this time to allow unequivocal conclusions about the role of this variant in disease. No submitters have cited clinical-significance assessments for this variant to ClinVar. Based on the evidence outlined above, the variant was classified as uncertain significance.